The following is an entry in ClinVar:

NM_001330239.4(TJP1):c.2241T>G (p.Ser747=)

Gene: TJP1 (tight junction protein 1; minus strand). Cytogenetic location: 15q13.1.
Variant type: single nucleotide variant.
Coding change: c.2241T>G on transcript NM_001330239.4 (MANE Select); coding-DNA position 2241, T replaced by G.
Protein change: p.Ser747=; no amino-acid change (serine 747 retained).
Molecular consequence: synonymous variant.
Genome position (GRCh38, 1-based): chr15:29,726,851, A>C on the plus strand (T>G on the coding strand, the complement: TJP1 is on the minus strand). VCF-style: chr15-29726851-A-C. GRCh37 (hg19) VCF-style: chr15-30019055-A-C.
Other names: c.2520T>G, p.Ser840= (NM_001301025.3, NM_001355012.2); c.2253T>G, p.Ser751= (NM_001301026.2, NM_001355013.1); c.2241T>G, p.Ser747= (NM_001355014.2, NM_001355015.2, NM_003257.5 and 1 more transcripts).
Identifiers: ClinVar variation 3044171 (VCV003044171.2), dbSNP rs373357873, ClinGen allele CA7447072.

ClinVar aggregate classification (germline): Likely benign (0 of 4 stars; one submission).

Conditions:
TJP1-related disorder. Also called: TJP1-related condition.

Allele frequency attached by ClinVar (database versions not stated): 1000 Genomes Project 0.00020; 1000 Genomes Project 30x 0.00031; TOPMed 0.00034; gnomAD 0.00035; ESP Exome Variant Server 0.00050; ExAC 0.00058; gnomAD exomes 0.00084.
gnomAD v4.1: 1,268 of 1,614,166 alleles (0.079%); highest among the groups gnomAD compares: South Asian, 0.23%; 6 homozygotes.

Submission:

PreventionGenetics, part of Exact Sciences
Classification: Likely benign for TJP1-related condition. Last evaluated: 2019-06-12. Review status: no assertion criteria provided. Collection method: clinical testing. Allele origin: germline.
Comment: This variant is classified as likely benign based on ACMG/AMP sequence variant interpretation guidelines (Richards et al. 2015 PMID: 25741868, with internal and published modifications).